The following is an entry in ClinVar:

NM_000038.6(APC):c.3464A>G (p.Glu1155Gly)

Gene: APC (APC regulator of Wnt signaling pathway; plus strand). Cytogenetic location: 5q22.2.
Variant type: single nucleotide variant.
Coding change: c.3464A>G on transcript NM_000038.6 (MANE Select); coding-DNA position 3464, A replaced by G.
Protein change: p.Glu1155Gly; replaces glutamic acid 1155 with glycine.
Molecular consequence: missense variant.
Genome position (GRCh38, 1-based): chr5:112,839,058, A>G. VCF-style: chr5-112839058-A-G. GRCh37 (hg19) VCF-style: chr5-112174755-A-G.
Other names: c.3464A>G, p.Glu1155Gly (NM_001127510.3, NM_001354895.2); c.3410A>G, p.Glu1137Gly (NM_001127511.3); c.3518A>G, p.Glu1173Gly (NM_001354896.2); c.3494A>G, p.Glu1165Gly (NM_001354897.2); c.3389A>G, p.Glu1130Gly (NM_001354898.2); c.3380A>G, p.Glu1127Gly (NM_001354899.2); c.3341A>G, p.Glu1114Gly (NM_001354900.2); c.3287A>G, p.Glu1096Gly (NM_001354901.2); and 5 more; short protein forms E1064G, E1137G, E1173G, E1029G, E1054G, E1127G, E1114G, E1165G.
Identifiers: ClinVar variation 968890 (VCV000968890.15), dbSNP rs1765430182, ClinGen allele CA16028934.

ClinVar aggregate classification (germline): Uncertain significance. Review status: criteria provided, multiple submitters, no conflicts (2 of 4 stars). 3 submissions from 3 submitters: Uncertain significance (3). Last evaluated 2025-04-10.

Conditions:
Classic or attenuated familial adenomatous polyposis. Identifiers: MedGen CN372698, MONDO:0021057.
Hereditary cancer-predisposing syndrome. Also called: Neoplastic Syndromes, Hereditary; Hereditary Cancer Syndrome; Tumor predisposition; Hereditary neoplastic syndrome. Identifiers: Orphanet 140162, MedGen C0027672, MeSH D009386, MONDO:0015356.
Familial adenomatous polyposis 1 (FAP1). Also called: FAMILIAL ADENOMATOUS POLYPOSIS 1, ATTENUATED; POLYPOSIS, ADENOMATOUS INTESTINAL. Identifiers: MedGen C2713442, MONDO:0021056, OMIM 175100. Disease mechanism: loss of function.

Allele frequency attached by ClinVar (database versions not stated): gnomAD exomes below 0.00001.
gnomAD v4.1: 1 of 1,614,170 alleles (0.000062%); highest among the groups gnomAD compares: Non-Finnish European, 0.000085%; no homozygotes.

Submissions (3):

Ambry Genetics
Classification: Uncertain significance for Hereditary cancer-predisposing syndrome. Last evaluated: 2025-04-10. Review status: criteria provided, single submitter. Criteria: Ambry Variant Classification Scheme 2023. Collection method: clinical testing. Allele origin: germline.
Comment: The p.E1155G variant (also known as c.3464A>G), located in coding exon 15 of the APC gene, results from an A to G substitution at nucleotide position 3464. The glutamic acid at codon 1155 is replaced by glycine, an amino acid with similar properties. This amino acid position is highly conserved in available vertebrate species. In addition, in silico predictors for this gene do not accurately predict pathogenicity. Based on the available evidence, the clinical significance of this variant remains unclear.

Labcorp Genetics (formerly Invitae), Labcorp
Classification: Uncertain significance for Familial adenomatous polyposis 1. Last evaluated: 2024-04-11. Review status: criteria provided, single submitter. Criteria: Invitae Variant Classification Sherloc (09022015). Collection method: clinical testing. Allele origin: germline.
Comment: This sequence change replaces glutamic acid, which is acidic and polar, with glycine, which is neutral and non-polar, at codon 1155 of the APC protein (p.Glu1155Gly). This variant is not present in population databases (gnomAD no frequency). This variant has not been reported in the literature in individuals affected with APC-related conditions. ClinVar contains an entry for this variant (Variation ID: 968890). Advanced modeling of protein sequence and biophysical properties (such as structural, functional, and spatial information, amino acid conservation, physicochemical variation, residue mobility, and thermodynamic stability) performed at Invitae indicates that this missense variant is not expected to disrupt APC protein function with a negative predictive value of 95%. In summary, the available evidence is currently insufficient to determine the role of this variant in disease. Therefore, it has been classified as a Variant of Uncertain Significance.

All of Us Research Program, National Institutes of Health
Classification: Uncertain significance for Classic or attenuated familial adenomatous polyposis. Last evaluated: 2024-03-24. Review status: criteria provided, single submitter. Criteria: ACMG Guidelines, 2015. Collection method: clinical testing. Allele origin: germline. Inheritance: Autosomal dominant inheritance. Observed: 1 variant allele, 1 heterozygote.
Comment: This missense variant replaces glutamic acid with glycine at codon 1155 of the APC protein. Computational prediction suggests that this variant may not impact protein structure and function (internally defined REVEL score threshold <= 0.5, PMID: 27666373). To our knowledge, functional studies have not been reported for this variant. This variant has not been reported in individuals affected with APC-related disorders in the literature. This variant has not been identified in the general population by the Genome Aggregation Database (gnomAD). The available evidence is insufficient to determine the role of this variant in disease conclusively. Therefore, this variant is classified as a Variant of Uncertain Significance.

This study involves interpretation of variants in research participants for the purpose of population health screening. Participant phenotype was not available at the time of variant classification. Additional details can be found in publication PMID: 35346344, PMCID: PMC8962531